The following is an entry in ClinVar:

NM_002907.4(RECQL):c.103C>T (p.Leu35Phe)

Gene: RECQL (RecQ like helicase; minus strand). Cytogenetic location: 12p12.1.
Variant type: single nucleotide variant.
Coding change: c.103C>T on transcript NM_002907.4 (MANE Select); coding-DNA position 103, C replaced by T.
Protein change: p.Leu35Phe; replaces leucine 35 with phenylalanine.
Molecular consequence: missense variant.
Genome position (GRCh38, 1-based): chr12:21,491,630, G>A on the plus strand (C>T on the coding strand, the complement: RECQL is on the minus strand). VCF-style: chr12-21491630-G-A. GRCh37 (hg19) VCF-style: chr12-21644564-G-A.
Other names: c.103C>T, p.Leu35Phe (NM_032941.3); short protein forms L35F.
Identifiers: ClinVar variation 2565588 (VCV002565588.2), dbSNP rs953180685, ClinGen allele CA384134556.
Genomic context (GRCh38, chr12:21,491,630, plus strand): 5'-CATCAGAATCCTCTAAACACTGCTTTATTTTCTTTGTCAGGACTTTTTTTTTCTGAATAA[G>A]CTCTTGTTGCCTTTCCGTAAGTTCTTGAATTTGAATTTCTACTGCATGTAGCTCACTGGT-3'
Protein context (NP_002898.2, residues 25-45): IQELTERQQE[Leu35Phe]IQKKKVLTKK

ClinVar aggregate classification (germline): Uncertain significance (1 of 4 stars; one submission).

Allele frequency attached by ClinVar (database versions not stated): gnomAD exomes below 0.00001.
gnomAD v4.1: 2 of 1,613,252 alleles (0.00012%); highest among the groups gnomAD compares: South Asian, 0.0011%; no homozygotes.

Submission:

Ambry Genetics
Classification: Uncertain significance. Last evaluated: 2023-05-26. Review status: criteria provided, single submitter. Criteria: Ambry Variant Classification Scheme 2023. Collection method: clinical testing. Allele origin: germline.
Comment: The p.L35F variant (also known as c.103C>T), located in coding exon 2 of the RECQL gene, results from a C to T substitution at nucleotide position 103. The leucine at codon 35 is replaced by phenylalanine, an amino acid with highly similar properties. This amino acid position is conserved. In addition, the in silico prediction for this alteration is inconclusive. Since supporting evidence is limited at this time, the clinical significance of this alteration remains unclear.